The following is an entry in ClinVar:

NM_004360.5(CDH1):c.100G>T (p.Ala34Ser)

Gene: CDH1 (cadherin 1; plus strand). Cytogenetic location: 16q22.1.
Variant type: single nucleotide variant.
Coding change: c.100G>T on transcript NM_004360.5 (MANE Select); coding-DNA position 100, G replaced by T.
Protein change: p.Ala34Ser; replaces alanine 34 with serine.
Molecular consequence: missense variant. On other transcripts: 5 prime UTR variant (2).
Genome position (GRCh38, 1-based): chr16:68,738,348, G>T. VCF-style: chr16-68738348-G-T. GRCh37 (hg19) VCF-style: chr16-68772251-G-T.
Other names: c.100G>T (LRG_301t1); c.100G>T, p.Ala34Ser (NM_001317184.2); c.-1516G>T (NM_001317185.2); c.-1720G>T (NM_001317186.2); short protein forms A34S.
Identifiers: ClinVar variation 463695 (VCV000463695.12), dbSNP rs1486768673, ClinGen allele CA396451968.
Genomic context (GRCh38, chr16:68,738,348, plus strand): 5'-CCACCCCAGGTCTCCTCTTGGCTCTGCCAGGAGCCGGAGCCCTGCCACCCTGGCTTTGAC[G>T]CCGAGAGCTACACGTTCACGGTGCCCCGGCGCCACCTGGAGAGAGGCCGCGTCCTGGGCA-3'
Protein context (NP_004351.1, residues 24-44): EPEPCHPGFD[Ala34Ser]ESYTFTVPRR

ClinVar aggregate classification (germline): Conflicting classifications of pathogenicity. Review status: criteria provided, conflicting classifications (1 of 4 stars). 2 submissions from 2 submitters: Uncertain significance (1); Likely benign (1). Last evaluated 2026-05-05.

Conditions:
Hereditary cancer-predisposing syndrome. Also called: Hereditary Cancer Syndrome; Tumor predisposition; Hereditary neoplastic syndrome; Neoplastic Syndromes, Hereditary. Identifiers: Orphanet 140162, MedGen C0027672, MeSH D009386, MONDO:0015356.
Hereditary diffuse gastric adenocarcinoma (HDGC). Also called: DIFFUSE GASTRIC AND LOBULAR BREAST CANCER SYNDROME. Identifiers: Orphanet 26106, MedGen C1708349, MONDO:0007648, OMIM 137215.

Submissions (2):

Ambry Genetics
Classification: Likely benign for Hereditary cancer-predisposing syndrome. Last evaluated: 2026-05-05. Review status: criteria provided, single submitter. Criteria: Ambry Variant Classification Scheme 2023. Collection method: clinical testing. Allele origin: germline.

Labcorp Genetics (formerly Invitae), Labcorp
Classification: Uncertain significance for Hereditary diffuse gastric adenocarcinoma. Last evaluated: 2025-09-23. Review status: criteria provided, single submitter. Criteria: Invitae Variant Classification Sherloc (09022015). Collection method: clinical testing. Allele origin: germline.
Comment: This sequence change replaces alanine, which is neutral and non-polar, with serine, which is neutral and polar, at codon 34 of the CDH1 protein (p.Ala34Ser). This variant is not present in population databases (gnomAD no frequency). This variant has not been reported in the literature in individuals affected with CDH1-related conditions. ClinVar contains an entry for this variant (Variation ID: 463695). An algorithm developed to predict the effect of missense changes on protein structure and function outputs the following: PolyPhen-2: "Benign". The serine amino acid residue is found in multiple mammalian species, which suggests that this missense change does not adversely affect protein function. In summary, the available evidence is currently insufficient to determine the role of this variant in disease. Therefore, it has been classified as a Variant of Uncertain Significance.